The following is an entry in ClinVar:

NM_014946.4(SPAST):c.1321+9A>G

Gene: SPAST (spastin; plus strand). Cytogenetic location: 2p22.3.
Variant type: single nucleotide variant.
Coding change: c.1321+9A>G on transcript NM_014946.4 (MANE Select); 9 bases into the intron after coding-DNA position 1321, A replaced by G.
Molecular consequence: intron variant.
Genome position (GRCh38, 1-based): chr2:32,136,647, A>G. VCF-style: chr2-32136647-A-G. GRCh37 (hg19) VCF-style: chr2-32361716-A-G.
Other names: c.1225+9A>G (NM_199436.2, NM_001377959.1); c.1318+9A>G (NM_001363823.2); c.1222+9A>G (NM_001363875.2).
Identifiers: ClinVar variation 387158 (VCV000387158.4), dbSNP rs201349526, ClinGen allele CA1600861.
Genomic context (GRCh38, chr2:32,136,647, plus strand): 5'-AGGGCTCTTTTTGCTGTGGCTCGAGAACTTCAACCTTCTATAATTTTTATAGGTAAGAAC[A>G]TATTTTCCAACTAAGTTATTGACTATTTGTGAAATTTCCCTCTCCAAATAGGAAAGATAC-3'

ClinVar aggregate classification (germline): Likely benign. Review status: criteria provided, multiple submitters, no conflicts (2 of 4 stars). 2 submissions from 2 submitters: Likely benign (2). Last evaluated 2024-04-25.

Conditions:
Hereditary spastic paraplegia 4. Also called: Spastic Paraplegia 4; Familial spastic paraplegia autosomal dominant 2; Spastic paraplegia 4, autosomal dominant. Identifiers: Orphanet 100985, MedGen C1866855, MONDO:0008438, OMIM 182601.

Allele frequency attached by ClinVar (database versions not stated): gnomAD 0.00001 and 0.00003; TOPMed 0.00002; gnomAD exomes 0.00003 and 0.00004; ExAC 0.00005; ESP Exome Variant Server 0.00008; 1000 Genomes Project 30x 0.00031; 1000 Genomes Project 0.00040.
gnomAD v4.1: 54 of 1,600,964 alleles (0.0034%); highest among the groups gnomAD compares: Non-Finnish European, 0.0043%; no homozygotes.

Submissions (2):

Labcorp Genetics (formerly Invitae), Labcorp
Classification: Likely benign for Hereditary spastic paraplegia 4. Last evaluated: 2024-04-25. Review status: criteria provided, single submitter. Criteria: Invitae Variant Classification Sherloc (09022015). Collection method: clinical testing. Allele origin: germline.

GeneDx
Classification: Likely benign. Last evaluated: 2016-07-05. Review status: criteria provided, single submitter. Criteria: GeneDx Variant Classification (06012015). Collection method: clinical testing. Allele origin: germline. Affected: yes.
Comment: This variant is considered likely benign or benign based on one or more of the following criteria: it is a conservative change, it occurs at a poorly conserved position in the protein, it is predicted to be benign by multiple in silico algorithms, and/or has population frequency not consistent with disease.